The following is an entry in ClinVar:

ClinVar aggregate classification (germline): Uncertain significance. Review status: criteria provided, multiple submitters, no conflicts (2 of 4 stars). 2 submissions from 2 submitters: Uncertain significance (2). Last evaluated 2025-07-14.

Conditions:
EIF2AK1-related disorder. Also called: EIF2AK1-related condition.

Submissions (2):

PreventionGenetics, part of Exact Sciences
Classification: Uncertain significance for EIF2AK1-related condition. Last evaluated: 2025-07-14. Review status: criteria provided, single submitter. Criteria: ACMG Guidelines, 2015. Collection method: clinical testing. Allele origin: germline.
Comment: The EIF2AK1 c.82G>C variant is predicted to result in the amino acid substitution p.Asp28His. To our knowledge, this variant has not been reported in the literature or in a large population database (gnomAD), indicating this variant is rare. At this time, the clinical significance of this variant is uncertain due to the absence of conclusive functional and genetic evidence.

Ambry Genetics
Classification: Uncertain significance. Last evaluated: 2025-03-25. Review status: criteria provided, single submitter. Criteria: Ambry Variant Classification Scheme 2023. Collection method: clinical testing. Allele origin: germline.

NM_014413.4(EIF2AK1):c.82G>C (p.Asp28His)

Genes: EIF2AK1 (eukaryotic translation initiation factor 2 alpha kinase 1; minus strand), LOC129997920 (ATAC-STARR-seq lymphoblastoid silent region 17933; plus strand). Cytogenetic location: 7p22.1.
Variant type: single nucleotide variant.
Coding change: c.82G>C on transcript NM_014413.4 (MANE Select); coding-DNA position 82, G replaced by C.
Protein change: p.Asp28His; replaces aspartic acid 28 with histidine.
Molecular consequence: missense variant.
Genome position (GRCh38, 1-based): chr7:6,059,002, C>G on the plus strand (G>C on the coding strand, the complement: EIF2AK1 is on the minus strand). VCF-style: chr7-6059002-C-G. GRCh37 (hg19) VCF-style: chr7-6098633-C-G.
Other names: c.82G>C, p.Asp28His (NM_001134335.2); short protein forms D28H.
Identifiers: ClinVar variation 4017072 (VCV004017072.2).